The following is an entry in ClinVar:

ClinVar aggregate classification (germline): Likely pathogenic (1 of 4 stars; one submission).

Conditions:
3-methylcrotonyl-CoA carboxylase 1 deficiency (MCC1D). Also called: MCCD TYPE 1; METHYLCROTONYLGLYCINURIA TYPE I; MCC 1 deficiency; 3 Alpha methylcrotonylglycinuria 1. Identifiers: Orphanet 6, MedGen CN028786, MONDO:0008861, OMIM 210200.

Submission:

Natera, Inc.
Classification: Likely pathogenic for 3-methylcrotonyl-CoA carboxylase 1 deficiency. Last evaluated: 2024-04-05. Review status: criteria provided, single submitter. Criteria: Natera Variant Classification Schema (03/2026). Collection method: clinical testing. Allele origin: germline.
Comment: The c.173_180delGAGAAATTinsTGATGC variant in MCCC1 is a frameshift variant predicted to shift the reading frame beginning at codon 58 and leads to a stop codon 22 codons downstream. This variant is expected to result in nonsense mediated decay, truncation, or a dysfunctional protein product. This variant is rare in the general population with a frequency below the threshold expected for the associated phenotype(s). Given the available evidence, this variant is classified as Likely Pathogenic.

NM_020166.5(MCCC1):c.173_180delinsTGATGC (p.Gly58fs)

Gene: MCCC1 (methylcrotonyl-CoA carboxylase subunit 1; minus strand). Cytogenetic location: 3q27.1.
Variant type: Indel.
Coding change: c.173_180delinsTGATGC on transcript NM_020166.5 (MANE Select); coding-DNA positions 173 to 180, GAGAAATT replaced by TGATGC.
Protein change: p.Gly58fs; shifts the reading frame from glycine 58.
Molecular consequence: frameshift variant. On other transcripts: non-coding transcript variant (1), intron variant (2).
Genome position (GRCh38, 1-based): chr3:183,092,502-183,092,509, AATTTCTC replaced by GCATCA on the plus strand (GAGAAATT replaced by TGATGC on the coding strand, the reverse complement: MCCC1 is on the minus strand). VCF-style: chr3-183092502-AATTTCTC-GCATCA. GRCh37 (hg19) VCF-style: chr3-182810290-AATTTCTC-GCATCA.
Other names: c.-55+2050_-55+2057delinsTGATGC (NM_001363880.1); c.44+2050_44+2057delinsTGATGC (NM_001293273.2); short protein forms G58fs.
Identifiers: ClinVar variation 4816031 (VCV004816031.1).
Genomic context (GRCh38, chr3:183,092,502, plus strand): 5'-ACTATAAACCGCCACAGTCTGTACACCCAGTTTTTTGGCTGTGCGCATCACCCTGCAGGC[AATTTCTC>GCATCA]CTCTGTTTGCAATGAGGACCTTGGTAATGTTTCTTCCTGTTTAAAACACCATGAAAATCA-3'